The following is an entry in ClinVar:

ClinVar aggregate classification (germline): Uncertain significance (1 of 4 stars; one submission).

Conditions:
Hereditary cancer-predisposing syndrome. Also called: Neoplastic Syndromes, Hereditary; Tumor predisposition; Hereditary Cancer Syndrome; Hereditary neoplastic syndrome. Identifiers: Orphanet 140162, MedGen C0027672, MeSH D009386, MONDO:0015356.

Submission:

Ambry Genetics
Classification: Uncertain significance for Hereditary cancer-predisposing syndrome. Last evaluated: 2014-11-13. Review status: criteria provided, single submitter. Criteria: Ambry Autosomal Dominant and X-Linked criteria (10/2015). Collection method: clinical testing. Allele origin: germline. Observed: 1 variant allele.
Comment: The p.E1516Q variant (also known as c.4546G>C), located in coding exon 34 of the NF1 gene, results from a G to C substitution at nucleotide position 4546. The glutamic acid at codon 1516 is replaced by glutamine, an amino acid with highly similar properties. This variant was not reported in population based cohorts in the following databases: Database of Single Nucleotide Polymorphisms (dbSNP), NHLBI Exome Sequencing Project (ESP), and 1000 Genomes Project. In the ESP, this variant was not observed in 6503 samples (13006 alleles) with coverage at this position.<span style="background-color: initial;">To date, this alteration has been detected with an allele frequency of approximately 0.01% (greater than 11000 alleles tested) in our clinical cohort.<span style="background-color: initial;"><span style="background-color: initial;">This amino acid position is highly conserved in available vertebrate species. In addition, this alteration is predicted to be possibly damaging and deleterious by PolyPhen and SIFT <em style="background-color: initial;">in silico<span style="background-color: initial;"> analyses, respectively. <span style="background-color: initial;">Since supporting evidence is limited at this time, the clinical significance of<span style="background-color: initial;">p.E1516Q<span style="background-color: initial;">remains unclear.

NM_001042492.3(NF1):c.4546G>C (p.Glu1516Gln)

Gene: NF1 (neurofibromin 1; plus strand). Cytogenetic location: 17q11.2.
Variant type: single nucleotide variant.
Coding change: c.4546G>C on transcript NM_001042492.3 (MANE Select); coding-DNA position 4546, G replaced by C.
Protein change: p.Glu1516Gln; replaces glutamic acid 1516 with glutamine.
Molecular consequence: missense variant.
Genome position (GRCh38, 1-based): chr17:31,260,484, G>C. VCF-style: chr17-31260484-G-C. GRCh37 (hg19) VCF-style: chr17-29587502-G-C.
Other names: c.4483G>C, p.Glu1495Gln (NM_000267.4); short protein forms E1495Q, E1516Q.
Identifiers: ClinVar variation 186998 (VCV000186998.3), dbSNP rs786203390, ClinGen allele CA196436.
Genomic context (GRCh38, chr17:31,260,484, plus strand): 5'-CTTTCCTTCATAAGTGACGGCAATGTGCTTGCTTTACATCGTCTACTCTGGAACAATCAG[G>C]AGAAAATTGGGCAGTATCTTTCCAGCAACAGGTAAGATTTCCCAGTCATGGGGATAGTGA-3'
Protein context (NP_001035957.1, residues 1506-1526): ALHRLLWNNQ[Glu1516Gln]KIGQYLSSNR